The following is an entry in ClinVar:

NM_001267550.2(TTN):c.34028T>C (p.Val11343Ala)

Gene: TTN (titin; minus strand). Cytogenetic location: 2q31.2.
Variant type: single nucleotide variant.
Coding change: c.34028T>C on transcript NM_001267550.2 (MANE Select); coding-DNA position 34028, T replaced by C.
Protein change: p.Val11343Ala; replaces valine 11343 with alanine.
Molecular consequence: missense variant. On other transcripts: intron variant (3).
Genome position (GRCh38, 1-based): chr2:178,677,884, A>G on the plus strand (T>C on the coding strand, the complement: TTN is on the minus strand). VCF-style: chr2-178677884-A-G. GRCh37 (hg19) VCF-style: chr2-179542611-A-G.
Other names: c.33077T>C, p.Val11026Ala (NM_001256850.1); c.30296T>C, p.Val10099Ala (NM_133378.4); c.13283-35567T>C (NM_003319.4); c.13859-35567T>C (NM_133437.4); c.13658-35567T>C (NM_133432.3); short protein forms V10099A, V11026A, V11343A.
Identifiers: ClinVar variation 2499228 (VCV002499228.1), dbSNP rs879120324, ClinGen allele CA60982487.

ClinVar aggregate classification (germline): Uncertain significance (1 of 4 stars; one submission).

Allele frequency attached by ClinVar (database versions not stated): TOPMed 0.00001; gnomAD 0.00003.
gnomAD v4.1: 5 of 1,609,350 alleles (0.00031%); highest among the groups gnomAD compares: African/African-American, 0.0067%; no homozygotes.

Submission:

GeneDx
Classification: Uncertain significance. Last evaluated: 2022-10-14. Review status: criteria provided, single submitter. Criteria: GeneDx Variant Classification Process June 2021. Collection method: clinical testing. Allele origin: germline. Affected: yes.
Comment: Not observed at significant frequency in large population cohorts (gnomAD); Missense variant in a gene in which most reported pathogenic variants are truncating/loss of function; Has not been previously published as pathogenic or benign to our knowledge